The following is an entry in ClinVar:

NM_000256.3(MYBPC3):c.124T>A (p.Trp42Arg)

Gene: MYBPC3 (myosin binding protein C3; minus strand). Cytogenetic location: 11p11.2.
Variant type: single nucleotide variant.
Coding change: c.124T>A on transcript NM_000256.3 (MANE Select); coding-DNA position 124, T replaced by A.
Protein change: p.Trp42Arg; replaces tryptophan 42 with arginine.
Molecular consequence: missense variant.
Genome position (GRCh38, 1-based): chr11:47,351,407, A>T on the plus strand (T>A on the coding strand, the complement: MYBPC3 is on the minus strand). VCF-style: chr11-47351407-A-T. GRCh37 (hg19) VCF-style: chr11-47372958-A-T.
Other names: short protein forms W42R.
Identifiers: ClinVar variation 4704618 (VCV004704618.1).

ClinVar aggregate classification (germline): Uncertain significance (1 of 4 stars; one submission).

Conditions:
Hypertrophic cardiomyopathy. Also called: HYPERTROPHIC MYOCARDIOPATHY. Identifiers: Orphanet 217569, MedGen C0007194, MeSH D002312, MONDO:0005045, HP:0001639.

Submission:

Labcorp Genetics (formerly Invitae), Labcorp
Classification: Uncertain significance for Hypertrophic cardiomyopathy. Last evaluated: 2025-10-18. Review status: criteria provided, single submitter. Criteria: Invitae Variant Classification Sherloc (09022015). Collection method: clinical testing. Allele origin: germline.
Comment: This sequence change replaces tryptophan, which is neutral and slightly polar, with arginine, which is basic and polar, at codon 42 of the MYBPC3 protein (p.Trp42Arg). This variant is not present in population databases (gnomAD no frequency). This variant has not been reported in the literature in individuals affected with MYBPC3-related conditions. An algorithm developed to predict the effect of missense changes on protein structure and function (PolyPhen-2) suggests that this variant is likely to be disruptive. In summary, the available evidence is currently insufficient to determine the role of this variant in disease. Therefore, it has been classified as a Variant of Uncertain Significance.